The following is an entry in ClinVar:

NM_000535.7(PMS2):c.2450del (p.Met817fs)

Gene: PMS2 (PMS1 homolog 2, mismatch repair system component; minus strand). Cytogenetic location: 7p22.1.
Variant type: Deletion.
Coding change: c.2450del on transcript NM_000535.7 (MANE Select); coding-DNA position 2450, one base deleted (T; older notation c.2450delT).
Protein change: p.Met817fs; shifts the reading frame from methionine 817.
Molecular consequence: frameshift variant. On other transcripts: non-coding transcript variant (1).
Genome position (GRCh38, 1-based): chr7:5,973,538, A deleted on the plus strand (T on the coding strand, the reverse complement: PMS2 is on the minus strand). VCF-style (leftmost placement, unchanged base first): chr7-5973537-CA-C. GRCh37 (hg19) VCF-style: chr7-6013168-CA-C.
Other names: c.2045delT, p.Met682Argfs (NM_001018040.1); c.2045del, p.Met682fs (NM_001322003.2, NM_001322004.2, NM_001322005.2 and 11 more transcripts); c.2294del, p.Met765fs (NM_001322006.2); c.2132del, p.Met711fs (NM_001322007.2, NM_001322008.2, NM_001406883.1); c.2078del, p.Met693fs (NM_001322009.2, NM_001406887.1, NM_001406888.1); c.1889del, p.Met630fs (NM_001322010.2, NM_001406906.1, NM_001406907.1); c.1517del, p.Met506fs (NM_001322011.2, NM_001322012.2); c.1877del, p.Met626fs (NM_001322013.2, NM_001406908.1, NM_001406909.1); and 21 more; short protein forms M416fs, M506fs, M560fs, M578fs, M626fs, M630fs, M646fs, M655fs.
Identifiers: ClinVar variation 2674208 (VCV002674208.1), dbSNP rs2535203991, ClinGen allele CA2695198395.

ClinVar aggregate classification (germline): Pathogenic (1 of 4 stars; one submission).

Conditions:
Lynch syndrome 4 (LYNCH4). Also called: Hereditary non-polyposis colorectal cancer, type 4; Colorectal cancer, hereditary nonpolyposis, type 4. Identifiers: Orphanet 144, MedGen C1838333, MONDO:0013699, OMIM 614337. Disease mechanism: loss of function.

Submission:

Myriad Genetics, Inc.
Classification: Pathogenic for Lynch syndrome 4. Last evaluated: 2023-09-25. Review status: criteria provided, single submitter. Criteria: Myriad Autosomal Dominant, Autosomal Recessive and X-Linked Classification Criteria (2023). Collection method: clinical testing. Allele origin: unknown.
Comment: This variant is considered pathogenic. This variant creates a frameshift predicted to result in premature protein truncation.